The following is an entry in ClinVar:

ClinVar aggregate classification (germline): Uncertain significance. Review status: criteria provided, multiple submitters, no conflicts (2 of 4 stars). 2 submissions from 2 submitters: Uncertain significance (2). Last evaluated 2026-01-05.

Conditions:
Nemaline myopathy 9 (NEM9). Identifiers: MedGen C3810384, MONDO:0014326, OMIM 615731.

Allele frequency attached by ClinVar (database versions not stated): gnomAD 0.00001 and 0.00003; gnomAD exomes 0.00001 and 0.00002; TOPMed 0.00002; ExAC 0.00003.
gnomAD v4.1: 29 of 1,614,146 alleles (0.0018%); highest among the groups gnomAD compares: Middle Eastern, 0.017%; 1 homozygote.

Submissions (2):

Labcorp Genetics (formerly Invitae), Labcorp
Classification: Uncertain significance for Nemaline myopathy 9. Last evaluated: 2026-01-05. Review status: criteria provided, single submitter. Criteria: Invitae Variant Classification Sherloc (09022015). Collection method: clinical testing. Allele origin: germline.
Comment: This sequence change replaces isoleucine, which is neutral and non-polar, with valine, which is neutral and non-polar, at codon 295 of the KLHL41 protein (p.Ile295Val). This variant is present in population databases (rs774846657, gnomAD 0.006%). This variant has not been reported in the literature in individuals affected with KLHL41-related conditions. ClinVar contains an entry for this variant (Variation ID: 1460606). An algorithm developed to predict the effect of missense changes on protein structure and function (PolyPhen-2) suggests that this variant is likely to be tolerated. In summary, the available evidence is currently insufficient to determine the role of this variant in disease. Therefore, it has been classified as a Variant of Uncertain Significance.

Breakthrough Genomics
Classification: Uncertain significance. Review status: criteria provided, single submitter. Criteria: ACMG Guidelines, 2015. Collection method: not provided. Allele origin: germline. Inheritance: Autosomal recessive inheritance. Affected: yes.

NM_006063.3(KLHL41):c.883A>G (p.Ile295Val)

Gene: KLHL41 (kelch like family member 41; plus strand). Cytogenetic location: 2q31.1.
Variant type: single nucleotide variant.
Coding change: c.883A>G on transcript NM_006063.3 (MANE Select); coding-DNA position 883, A replaced by G.
Protein change: p.Ile295Val; replaces isoleucine 295 with valine.
Molecular consequence: missense variant.
Genome position (GRCh38, 1-based): chr2:169,510,661, A>G. VCF-style: chr2-169510661-A-G. GRCh37 (hg19) VCF-style: chr2-170367171-A-G.
Other names: short protein forms I295V.
Identifiers: ClinVar variation 1460606 (VCV001460606.8), dbSNP rs774846657, ClinGen allele CA1956574.